The following is an entry in ClinVar:

ClinVar aggregate classification (germline): Uncertain significance (1 of 4 stars; one submission).

Allele frequency attached by ClinVar (database versions not stated): TOPMed 0.00002; gnomAD 0.00002; ESP Exome Variant Server 0.00008; ExAC 0.00002.

Submission:

Labcorp Genetics (formerly Invitae), Labcorp
Classification: Uncertain significance. Last evaluated: 2024-04-16. Review status: criteria provided, single submitter. Criteria: Invitae Variant Classification Sherloc (09022015). Collection method: clinical testing. Allele origin: germline.
Comment: This sequence change replaces arginine, which is basic and polar, with glutamine, which is neutral and polar, at codon 29 of the PCARE protein (p.Arg29Gln). This variant is present in population databases (rs368417148, gnomAD 0.01%). This variant has not been reported in the literature in individuals affected with PCARE-related conditions. ClinVar contains an entry for this variant (Variation ID: 1400938). An algorithm developed to predict the effect of missense changes on protein structure and function (PolyPhen-2) suggests that this variant¬†is likely to be tolerated. In summary, the available evidence is currently insufficient to determine the role of this variant in disease. Therefore, it has been classified as a Variant of Uncertain Significance.

NM_001029883.3(PCARE):c.86G>A (p.Arg29Gln)

Gene: PCARE (photoreceptor cilium actin regulator; minus strand). Cytogenetic location: 2p23.2.
Variant type: single nucleotide variant.
Coding change: c.86G>A on transcript NM_001029883.3 (MANE Select); coding-DNA position 86, G replaced by A.
Protein change: p.Arg29Gln; replaces arginine 29 with glutamine.
Molecular consequence: missense variant.
Genome position (GRCh38, 1-based): chr2:29,074,176, C>T on the plus strand (G>A on the coding strand, the complement: PCARE is on the minus strand). VCF-style: chr2-29074176-C-T. GRCh37 (hg19) VCF-style: chr2-29297042-C-T.
Other names: short protein forms R29Q.
Identifiers: ClinVar variation 1400938 (VCV001400938.4), dbSNP rs368417148, ClinGen allele CA1592723.
Genomic context (GRCh38, chr2:29,074,176, plus strand): 5'-GTGGAGTTTTTAACCAGCAAAGGGATGGAACCTCTTTCACTTCCGCCCTGACATCCTGGC[C>T]GAATTGCTTTGGGCTTTTTCAAGAACTGAATGCCACTCTTTGCAACGCTGTTTACAAGGT-3'
Protein context (NP_001025054.1, residues 19-39): IQFLKKPKAI[Arg29Gln]PGCQGGSERG